The following is an entry in ClinVar:

ClinVar aggregate classification (germline): Uncertain significance. Review status: criteria provided, multiple submitters, no conflicts (2 of 4 stars). 12 submissions from 12 submitters: Uncertain significance (9). 3 of the submissions do not count toward it. Last evaluated 2026-02-19.

Conditions:
Cardiovascular phenotype. Identifiers: MedGen CN230736.
MYBPC3-related disorder. Also called: MYBPC3-related condition; MYBPC3-related disease; MYBPC3-related disorders.
Cardiomyopathy (CMYO). Also called: Cardiomyopathies. Identifiers: Orphanet 167848, MedGen C0878544, MONDO:0004994, HP:0001638. Inheritance: Various modes of inheritance.
Primary familial hypertrophic cardiomyopathy (HCM). Identifiers: Orphanet 99739, MedGen C0949658, MeSH D024741, MONDO:0024573. Inheritance: Various modes of inheritance.
Hypertrophic cardiomyopathy 4. Also called: Familial hypertrophic cardiomyopathy 4. Identifiers: MedGen C1861862, MONDO:0007268, OMIM 115197.
Hypertrophic cardiomyopathy. Also called: HYPERTROPHIC MYOCARDIOPATHY. Identifiers: Orphanet 217569, MedGen C0007194, MeSH D002312, MONDO:0005045, HP:0001639.

Allele frequency attached by ClinVar (database versions not stated): gnomAD 0.00002 and 0.00003; ESP Exome Variant Server 0.00008; TOPMed 0.00003; ExAC 0.00009.
gnomAD v4.1: 42 of 1,578,354 alleles (0.0027%); highest among the groups gnomAD compares: East Asian, 0.0047%; no homozygotes.

Submissions 1 to 8 of 12:

Dasa
Classification: Uncertain significance. Last evaluated: 2026-02-19. Review status: criteria provided, single submitter. Criteria: DASA Assertion Criteria. Collection method: clinical testing. Allele origin: germline.
Comment: NM_000256.3(MYBPC3):c.223G>A (p.Asp75Asn) is a missense variant that results in the substitution of aspartic acid with asparagine. This variant has been recurrently observed in individuals with MYBPC3-related disorders (PMID: 39769170; PMID: 39456977; PMID: 37431535; PMID: 37652022; PMID: 20433692). Functional evidence supports an impact on the gene or gene product (PMID: 39769170; PMID: 39456977; PMID: 37431535; PMID: 37652022; PMID: 20433692). Also, this variant is rare in population databases. The currently available literature and clinical evidence are not sufficient to establish a definitive association between this variant and the reported condition. Therefore, this variant is classified as a variant of uncertain significance.

Labcorp Genetics (formerly Invitae), Labcorp
Classification: Uncertain significance for Hypertrophic cardiomyopathy. Last evaluated: 2025-12-21. Review status: criteria provided, single submitter. Criteria: Invitae Variant Classification Sherloc (09022015). Collection method: clinical testing. Allele origin: germline.
Comment: This sequence change replaces aspartic acid, which is acidic and polar, with asparagine, which is neutral and polar, at codon 75 of the MYBPC3 protein (p.Asp75Asn). The frequency data for this variant in the population databases is considered unreliable, as metrics indicate poor data quality at this position in the gnomAD database. This missense change has been observed in individual(s) with hypertrophic cardiomyopathy or dilated cardiomyopathy (PMID: 21488259, 21943931, 27600940, 28771489, 30871747, 31513939). ClinVar contains an entry for this variant (Variation ID: 161313). An algorithm developed to predict the effect of missense changes on protein structure and function (PolyPhen-2) suggests that this variant is likely to be disruptive. In summary, the available evidence is currently insufficient to determine the role of this variant in disease. Therefore, it has been classified as a Variant of Uncertain Significance.

Ambry Genetics
Classification: Uncertain significance for Cardiovascular phenotype. Last evaluated: 2025-06-10. Review status: criteria provided, single submitter. Criteria: Ambry Variant Classification Scheme 2023. Collection method: clinical testing. Allele origin: germline.
Comment: The p.D75N variant (also known as c.223G>A), located in coding exon 2 of the MYBPC3 gene, results from a G to A substitution at nucleotide position 223. The aspartic acid at codon 75 is replaced by asparagine, an amino acid with highly similar properties. This alteration has been reported in hypertrophic cardiomyopathy (HCM) and dilated cardiomyopathy (DCM) cohorts (Lopes LR et al. Heart, 2015 Feb;101:294-301; Rodr&iacute;guez-Garc&iacute;a MI et al. BMC Med Genet, 2010 Apr;11:67; Lakdawala NK et al. Am J Cardiol, 2011 Dec;108:1606-13; Cecconi M et al. Int J Mol Med, 2016 Oct;38:1111-24; Walsh R et al. Genet Med, 2017 Feb;19:192-203; Sousa A et al. Rev Port Cardiol (Engl Ed), 2019 Feb;38:129-139; Robyns T et al. Eur J Med Genet, 2020 Mar;63:103754). This variant has been seen in an exome cohort, but cardiovascular history was not provided (Andreasen C et al. Eur J Hum Genet, 2013 Sep;21:918-28). Functional studies suggest altered protein function; however, the physiological relevance of these findings is unclear (Kochurova AM et al. Int J Mol Sci, 2024 Oct;25: ; Nabiev SR et al. Int J Mol Sci, 2024 Dec;25:). This amino acid position is highly conserved in available vertebrate species. In addition, the in silico prediction for this alteration is inconclusive. Since supporting evidence is limited at this time, the clinical significance of this alteration remains unclear.

Color Diagnostics, LLC DBA Color Health
Classification: Uncertain significance for Cardiomyopathy. Last evaluated: 2024-08-19. Review status: criteria provided, single submitter. Criteria: ACMG Guidelines, 2015. Collection method: clinical testing. Allele origin: germline.
Comment: This missense variant replaces aspartic acid with asparagine at codon 75 of the MYBPC3 protein. Computational prediction tools indicate that this variant has a deleterious impact on protein structure and function. To our knowledge, functional studies have not been reported for this variant. This variant has been reported in at least 8 individuals affected with hypertrophic cardiomyopathy (PMID: 20433692, 27600940, 31513939, 32841044, 33495596, 33495597, 33782553), as well as in a healthy control individual (PMID: 20433692). This variant has also been reported in an individual affected with dilated cardiomyopathy (PMID: 30871747). This variant has been identified in 4/228528 chromosomes in the general population by the Genome Aggregation Database (gnomAD). The available evidence is insufficient to determine the role of this variant in disease conclusively. Therefore, this variant is classified as a Variant of Uncertain Significance.

All of Us Research Program, National Institutes of Health
Classification: Uncertain significance for Hypertrophic cardiomyopathy. Last evaluated: 2024-08-06. Review status: criteria provided, single submitter. Criteria: ACMG Guidelines, 2015. Collection method: clinical testing. Allele origin: germline. Inheritance: Autosomal dominant inheritance. Observed: 8 variant alleles, 8 heterozygotes.
Comment: This missense variant replaces aspartic acid with asparagine at codon 75 of the MYBPC3 protein. Computational prediction is inconclusive regarding the impact of this variant on protein structure and function (internally defined REVEL score threshold 0.5 < inconclusive < 0.7, PMID: 27666373). To our knowledge, functional studies have not been reported for this variant. This variant has been reported in at least 3 individuals affected with hypertrophic cardiomyopathy (PMID: 20433692, 27600940, 31513939), as well as in a healthy control subject (PMID: 20433692). This variant has also been reported in an individual affected with dilated cardiomyopathy (PMID: 30871747). This variant has been identified in 4/228528 chromosomes in the general population by the Genome Aggregation Database (gnomAD). The available evidence is insufficient to determine the role of this variant in disease conclusively. Therefore, this variant is classified as a Variant of Uncertain Significance.

This study involves interpretation of variants in research participants for the purpose of population health screening. Participant phenotype was not available at the time of variant classification. Additional details can be found in publication PMID: 35346344, PMCID: PMC8962531

Laboratory for Molecular Medicine, Mass General Brigham Personalized Medicine
Classification: Uncertain significance. Last evaluated: 2019-07-12. Review status: criteria provided, single submitter. Criteria: LMM Criteria. Collection method: clinical testing. Allele origin: germline. Observed: 3 variant alleles.
Comment: Variant classified as Uncertain Significance - Favor Pathogenic. The p.Asp75Asn variant in MYBCP3 has been reported in 6 individuals with HCM and 1 individual with DCM (Rodriguez-Garcia 2010, Lakdawala 20111, Cecconi 2016, Mademont-Soler 2017, Walsh 2017, Wiffin 207, Sousa 2019). One individual with HCM carried an additional pathogenic variant in MYBPC3 (Mademont-Soler 2017). It has also been identified in 4/100946 of European chromosomes by gnomAD. Computational prediction tools and conservation analyses suggest that this variant may impact the protein, though this information is not predictive enough to determine pathogenicity. In summary, while there is some suspicion for a pathogenic role, the clinical significance of this variant is uncertain. ACMG/AMP Criteria applied: PM2, PS4_Moderate, PP3.

Mendelics
Classification: Uncertain significance for Hypertrophic cardiomyopathy 4. Last evaluated: 2019-05-28. Review status: criteria provided, single submitter. Criteria: Mendelics Assertion Criteria 2017. Collection method: clinical testing. Allele origin: unknown.

GeneDx
Classification: Uncertain significance. Last evaluated: 2019-01-03. Review status: criteria provided, single submitter. Criteria: GeneDx Variant Classification Process June 2021. Collection method: clinical testing. Allele origin: germline. Affected: yes.
Comment: Reported in association with HCM, though many publications did not include patient-specific clinical details (Harris et al., 2011; Lakdawala et al., 2011; Andreasen et al., 2013; Amendola et al., 2015; Ho et al., 2015; Cecconi et al., 2016; Ito et al., 2017; Walsh et al., 2017); Segregation studies in a family with HCM revealed this variant in one possibly affected family member and one family member with a normal phenotype, whereas the variant was absent in a family member with suggestive electrocardiographic alterations (Rodriguez-Garcia et al., 2010); Not observed at a significant frequency in large population cohorts (Lek et al., 2016); In silico analysis, which includes protein predictors and evolutionary conservation, supports that this variant does not alter protein structure/function; This variant is associated with the following publications: (PMID: 31513939, 30871747, 23299917, 25637381, 21488259, 27532257, 21943931, 28679633, 28771489, 27600940, 25543971, 21415409, 28518168)

NM_000256.3(MYBPC3):c.223G>A (p.Asp75Asn)

Gene: MYBPC3 (myosin binding protein C3; minus strand). Cytogenetic location: 11p11.2.
Variant type: single nucleotide variant.
Coding change: c.223G>A on transcript NM_000256.3 (MANE Select); coding-DNA position 223, G replaced by A.
Protein change: p.Asp75Asn; replaces aspartic acid 75 with asparagine.
Molecular consequence: missense variant.
Genome position (GRCh38, 1-based): chr11:47,351,308, C>T on the plus strand (G>A on the coding strand, the complement: MYBPC3 is on the minus strand). VCF-style: chr11-47351308-C-T. GRCh37 (hg19) VCF-style: chr11-47372859-C-T.
Other names: short protein forms D75N.
Identifiers: ClinVar variation 161313 (VCV000161313.33), dbSNP rs375471260, ClinGen allele CA011926.